The following is an entry in ClinVar:

NM_006736.6(DNAJB2):c.99C>G (p.Asp33Glu)

Gene: DNAJB2 (DnaJ heat shock protein family (Hsp40) member B2; plus strand). Cytogenetic location: 2q35.
Variant type: single nucleotide variant.
Coding change: c.99C>G on transcript NM_006736.6 (MANE Select); coding-DNA position 99, C replaced by G.
Protein change: p.Asp33Glu; replaces aspartic acid 33 with glutamic acid.
Molecular consequence: missense variant.
Genome position (GRCh38, 1-based): chr2:219,280,611, C>G. VCF-style: chr2-219280611-C-G. GRCh37 (hg19) VCF-style: chr2-220145333-C-G.
Other names: c.99C>G, p.Asp33Glu (NM_001039550.2); short protein forms D33E.
Identifiers: ClinVar variation 2445616 (VCV002445616.1), dbSNP rs1352880084, ClinGen allele CA350646523.

ClinVar aggregate classification (germline): Uncertain significance (1 of 4 stars; one submission).

Conditions:
Neuronopathy, distal hereditary motor, autosomal recessive 5. Also called: Young adult-onset distal hereditary motor neuropathy; Spinal muscular atrophy, distal, autosomal recessive, 5; NEUROPATHY, DISTAL HEREDITARY MOTOR, AUTOSOMAL RECESSIVE 5. Identifiers: Orphanet 314485, Orphanet 443950, MedGen C4749918, MONDO:0013947, OMIM 614881.

Allele frequency attached by ClinVar (database versions not stated): gnomAD 0.00001.

Submission:

Department of Human Genetics, Hannover Medical School
Classification: Uncertain significance for Neuronopathy, distal hereditary motor, autosomal recessive 5. Last evaluated: 2023-03-24. Review status: criteria provided, single submitter. Criteria: ACMG Guidelines, 2015. Collection method: clinical testing. Allele origin: germline. Affected: yes.
Comment: Detected in homozygous form. Not listed in LOVD shared or ClinVar, not in gnomAD. In silico tool REVEL suggests pathogenicity.